The following is an entry in ClinVar:

ClinVar aggregate classification (germline): Conflicting classifications of pathogenicity. Review status: criteria provided, conflicting classifications (1 of 4 stars). 2 submissions from 2 submitters: Uncertain significance (1); Likely benign (1). Last evaluated 2026-01-26.

Submissions (2):

Labcorp Genetics (formerly Invitae), Labcorp
Classification: Uncertain significance. Last evaluated: 2026-01-26. Review status: criteria provided, single submitter. Criteria: Invitae Variant Classification Sherloc (09022015). Collection method: clinical testing. Allele origin: germline.
Comment: This variant, c.392_393ins24, results in the insertion of 8 amino acid(s) of the ARID1B protein (p.Gln131_His132ins8), but otherwise preserves the integrity of the reading frame. This variant is not present in population databases (gnomAD no frequency). This variant has not been reported in the literature in individuals affected with ARID1B-related conditions. ClinVar contains an entry for this variant (Variation ID: 1216606). Experimental studies and prediction algorithms are not available or were not evaluated, and the functional significance of this variant is currently unknown. In summary, the available evidence is currently insufficient to determine the role of this variant in disease. Therefore, it has been classified as a Variant of Uncertain Significance.

GeneDx
Classification: Likely benign. Last evaluated: 2021-05-11. Review status: criteria provided, single submitter. Criteria: GeneDx Variant Classification Process June 2021. Collection method: clinical testing. Allele origin: germline. Affected: yes.
Comment: Not observed in large population cohorts (Lek et al., 2016); In-frame insertion of 8 amino acids in a repetitive region with no known function; Has not been previously published as pathogenic or benign to our knowledge

NM_001374828.1(ARID1B):c.641_642insGCAGCACCAGCAGCAGCAACAGCA (p.Gln214_His215insGlnHisGlnGlnGlnGlnGlnGln)

Genes: ARID1B (AT-rich interaction domain 1B; plus strand), LOC115308161 (uncharacterized LOC115308161; minus strand). Cytogenetic location: 6q25.3.
Variant type: Microsatellite.
Coding change: c.641_642insGCAGCACCAGCAGCAGCAACAGCA on transcript NM_001374828.1 (MANE Select); coding-DNA positions 641 to 642, GCAGCACCAGCAGCAGCAACAGCA inserted.
Protein change: p.Gln214_His215insGlnHisGlnGlnGlnGlnGlnGln.
Molecular consequence: inframe insertion. On other transcripts: frameshift variant (1), non-coding transcript variant (1).
Genome position: GRCh38 VCF-style: chr6-156778304-G-GCAGCAGCAGCAACAGCAGCAGCAC. GRCh37 (hg19) VCF-style: chr6-157099438-G-GCAGCAGCAGCAACAGCAGCAGCAC.
Other names: c.392_393insGCAGCACCAGCAGCAGCAACAGCA (NM_020732.3); c.641_642insGCAGCACCAGCAGCAGCAACAGCA, p.Gln214_His215insGlnHisGlnGlnGlnGlnGlnGln (NM_001371656.1, NM_001374820.1, NM_017519.3).
Identifiers: ClinVar variation 1216606 (VCV001216606.8), dbSNP rs1334776212.
Genomic context (GRCh38, chr6:156,778,304, plus strand): 5'-ACTACAGCAGCAGCTAAACCAGTTCCAGCAGCAGCAGCAGCAGCAGCAACAGCAGCAGCA[G>GCAGCAGCAGCAACAGCAGCAGCAC]CAGCAGCAGCAACAGCAACATCCCATTTCCAACAACAACAGCTTGGGCGGCGCGGGCGGC-3'